The following is an entry in ClinVar:

NM_001429.4(EP300):c.15G>A (p.Val5=)

Gene: EP300 (E1A binding protein p300; plus strand). Cytogenetic location: 22q13.2.
Variant type: single nucleotide variant.
Coding change: c.15G>A on transcript NM_001429.4 (MANE Select); coding-DNA position 15, G replaced by A.
Protein change: p.Val5=; no amino-acid change (valine 5 retained).
Molecular consequence: synonymous variant.
Genome position (GRCh38, 1-based): chr22:41,093,019, G>A. VCF-style: chr22-41093019-G-A. GRCh37 (hg19) VCF-style: chr22-41489023-G-A.
Other names: c.15G>A, p.Val5= (NM_001362843.2).
Identifiers: ClinVar variation 3354822 (VCV003354822.1).
Genomic context (GRCh38, chr22:41,093,019, plus strand): 5'-CTGAGGATTCTGGTTTTCCTCGCTTGTATCTCCGAAAGAATTAAAAATGGCCGAGAATGT[G>A]GTGGAACCGGGGCCGCCTTCAGCCAAGCGGCCTAAACTCTCATCTCCGGCCCTCTCGGCG-3'
Protein context (NP_001420.2, residues 1-15): MAEN[Val5=]VEPGPPSAKR

ClinVar aggregate classification (germline): Likely benign (0 of 4 stars; one submission).

Conditions:
EP300-related disorder. Also called: EP300-related disorders; EP300-related condition.

gnomAD v4.1: 1 of 1,614,004 alleles (0.000062%); highest among the groups gnomAD compares: African/African-American, 0.0013%; no homozygotes.

Submission:

PreventionGenetics, part of Exact Sciences
Classification: Likely benign for EP300-related condition. Last evaluated: 2021-09-08. Review status: no assertion criteria provided. Collection method: clinical testing. Allele origin: germline.
Comment: This variant is classified as likely benign based on ACMG/AMP sequence variant interpretation guidelines (Richards et al. 2015 PMID: 25741868, with internal and published modifications).